The following is an entry in ClinVar:

ClinVar aggregate classification (germline): Conflicting classifications of pathogenicity. Review status: criteria provided, conflicting classifications (1 of 4 stars). 2 submissions from 2 submitters: Uncertain significance (1); Likely benign (1). Last evaluated 2025-06-15.

Allele frequency attached by ClinVar (database versions not stated): TOPMed below 0.00001; gnomAD 0.00001; ExAC 0.00002.
gnomAD v4.1: 7 of 1,613,772 alleles (0.00043%); highest among the groups gnomAD compares: East Asian, 0.0022%; no homozygotes.

Submissions (2):

Labcorp Genetics (formerly Invitae), Labcorp
Classification: Likely benign. Last evaluated: 2025-06-15. Review status: criteria provided, single submitter. Criteria: Invitae Variant Classification Sherloc (09022015). Collection method: clinical testing. Allele origin: germline.

CeGaT Center for Human Genetics Tuebingen
Classification: Uncertain significance. Last evaluated: 2023-06-01. Review status: criteria provided, single submitter. Criteria: CeGaT Center For Human Genetics Tuebingen Variant Classification Criteria Version 2. Collection method: clinical testing. Allele origin: germline. Affected: yes. Observed: 1 variant allele.
Comment: ABL1: PM2:Supporting, BP4

NM_005157.6(ABL1):c.1543G>A (p.Val515Ile)

Gene: ABL1 (ABL proto-oncogene 1, non-receptor tyrosine kinase; plus strand). Cytogenetic location: 9q34.12.
Variant type: single nucleotide variant.
Coding change: c.1543G>A on transcript NM_005157.6 (MANE Select); coding-DNA position 1543, G replaced by A.
Protein change: p.Val515Ile; replaces valine 515 with isoleucine.
Molecular consequence: missense variant.
Genome position (GRCh38, 1-based): chr9:130,880,529, G>A. VCF-style: chr9-130880529-G-A. GRCh37 (hg19) VCF-style: chr9-133755916-G-A.
Other names: c.1600G>A, p.Val534Ile (NM_007313.3); short protein forms V515I, V534I.
Identifiers: ClinVar variation 2659611 (VCV002659611.27), dbSNP rs766145624, ClinGen allele CA5285481.